The following is an entry in ClinVar:

NM_014698.3(TMEM63A):c.1009del (p.Glu337fs)

Gene: TMEM63A (transmembrane protein 63A; minus strand). Cytogenetic location: 1q42.12.
Variant type: Deletion.
Coding change: c.1009del on transcript NM_014698.3 (MANE Select); coding-DNA position 1009, one base deleted (G; older notation c.1009delG).
Protein change: p.Glu337fs; shifts the reading frame from glutamic acid 337.
Molecular consequence: frameshift variant.
Genome position (GRCh38, 1-based): chr1:225,862,294, C deleted on the plus strand (G on the coding strand, the reverse complement: TMEM63A is on the minus strand). VCF-style (leftmost placement, unchanged base first): chr1-225862293-TC-T. GRCh37 (hg19) VCF-style: chr1-226049993-TC-T.
Other names: short protein forms E337fs.
Identifiers: ClinVar variation 4076259 (VCV004076259.1).
Genomic context (GRCh38, chr1:225,862,293, plus strand): 5'-TTCTCCTGGAAGGTGACGAAGGCCATTCCCAGGGGCTGGTCCTGGACGTGGCGTTCTTCC[TC>T]TGTGATCCTCTCCAGCAGCCTGTCCTTCATCCGTGTGTAGTAAGAGATGGCGTCTTCCTG-3'

ClinVar aggregate classification (germline): Uncertain significance (1 of 4 stars; one submission).

Conditions:
Leukodystrophy, hypomyelinating, 19, transient infantile. Identifiers: MedGen C5231463, MONDO:0032871, OMIM 618688.

Submission:

Laboratorio de Genetica e Diagnostico Molecular, Hospital Israelita Albert Einstein
Classification: Uncertain significance for Leukodystrophy, hypomyelinating, 19, transient infantile. Last evaluated: 2024-07-30. Review status: criteria provided, single submitter. Criteria: ACMG Guidelines, 2015. Collection method: clinical testing. Allele origin: germline. Affected: yes.
Comment: ACMG classification criteria: PVS1 moderate, PM2 supporting